The following is an entry in ClinVar:

NM_001127511.3(APC):c.-125A>T

Gene: APC (APC regulator of Wnt signaling pathway; plus strand). Cytogenetic location: 5q22.2.
Variant type: single nucleotide variant.
Coding change: c.-125A>T on transcript NM_001127511.3; 125 bases upstream of the start codon, A replaced by T.
Molecular consequence: 5 prime UTR variant. On other transcripts: non-coding transcript variant (2), genic upstream transcript variant (1).
Genome position (GRCh38, 1-based): chr5:112,707,593, A>T. VCF-style: chr5-112707593-A-T. GRCh37 (hg19) VCF-style: chr5-112043290-A-T.
Other names: c.-308A>T (NM_001354895.2, NM_001407447.1, NM_001407452.1 and 3 more transcripts); c.-125A>T (NM_001354897.2, NM_001354902.2, NM_001407446.1); c.-75A>T (NM_001407448.1, NM_001407450.1, NM_001407457.1 and 1 more transcripts); c.-99A>T (NM_001407453.1); c.-1343A>T (NM_001407470.1, NM_001407472.1); c.-30351A>T (NM_000038.6).
Identifiers: ClinVar variation 537669 (VCV000537669.13), dbSNP rs1045063324, ClinGen allele CA124925009.

ClinVar aggregate classification (germline): Conflicting classifications of pathogenicity. Review status: criteria provided, conflicting classifications (1 of 4 stars). 3 submissions from 3 submitters: Uncertain significance (2); Benign (1). Last evaluated 2026-02-04.

Conditions:
Hereditary cancer-predisposing syndrome. Also called: Hereditary Cancer Syndrome; Neoplastic Syndromes, Hereditary; Tumor predisposition; Hereditary neoplastic syndrome. Identifiers: Orphanet 140162, MedGen C0027672, MeSH D009386, MONDO:0015356.
Familial adenomatous polyposis 1 (FAP1). Also called: POLYPOSIS, ADENOMATOUS INTESTINAL; FAMILIAL ADENOMATOUS POLYPOSIS 1, ATTENUATED. Identifiers: MedGen C2713442, MONDO:0021056, OMIM 175100. Disease mechanism: loss of function.

Allele frequency attached by ClinVar (database versions not stated): gnomAD exomes 0.00001; TOPMed 0.00006; gnomAD 0.00007 and 0.00008.
gnomAD v4.1: 22 of 992,554 alleles (0.0022%); highest among the groups gnomAD compares: African/African-American, 0.033%; no homozygotes.

Submissions (3):

Labcorp Genetics (formerly Invitae), Labcorp
Classification: Benign for Familial adenomatous polyposis 1. Last evaluated: 2026-02-04. Review status: criteria provided, single submitter. Criteria: Invitae Variant Classification Sherloc (09022015). Collection method: clinical testing. Allele origin: germline.

GeneDx
Classification: Uncertain significance. Last evaluated: 2025-06-10. Review status: criteria provided, single submitter. Criteria: GeneDx Variant Classification Process June 2021. Collection method: clinical testing. Allele origin: germline.
Comment: Not observed at significant frequency in large population cohorts (gnomAD); Has not been previously published as pathogenic or benign to our knowledge; Located in a regulatory region; in the absence of functional studies, the actual effect of this sequence change is unknown

Color Diagnostics, LLC DBA Color Health
Classification: Uncertain significance for Hereditary cancer-predisposing syndrome. Last evaluated: 2023-07-12. Review status: criteria provided, single submitter. Criteria: ACMG Guidelines, 2015. Collection method: clinical testing. Allele origin: germline.
Comment: This variant causes an A to T nucleotide substitution at the -30351 position in the promoter region in the APC gene. To our knowledge, functional studies have not been reported for this variant. This variant has not been reported in individuals affected with APC-related disorders in the literature. This variant has been identified in 1/31200 chromosomes in the general population by the Genome Aggregation Database (gnomAD). The available evidence is insufficient to determine the role of this variant in disease conclusively. Therefore, this variant is classified as a Variant of Uncertain Significance.